The following is an entry in ClinVar:

ClinVar aggregate classification (germline): Benign (1 of 4 stars; one submission).

Allele frequency attached by ClinVar (database versions not stated): gnomAD 0.02853 and 0.03051; 1000 Genomes Project 0.03415; 1000 Genomes Project 30x 0.03638.

Submission:

GeneDx
Classification: Benign. Last evaluated: 2018-06-14. Review status: criteria provided, single submitter. Criteria: GeneDx Variant Classification (06012015). Collection method: clinical testing. Allele origin: germline. Affected: yes.
Comment: This variant is considered likely benign or benign based on one or more of the following criteria: it is a conservative change, it occurs at a poorly conserved position in the protein, it is predicted to be benign by multiple in silico algorithms, and/or has population frequency not consistent with disease.

NM_005006.7(NDUFS1):c.154-177_154-176insAG

Gene: NDUFS1 (NADH:ubiquinone oxidoreductase core subunit S1; minus strand). Cytogenetic location: 2q33.3.
Variant type: Insertion.
Coding change: c.154-177_154-176insAG on transcript NM_005006.7 (MANE Select); 177 bases into the intron before coding-DNA position 154 through 176 bases into the intron before coding-DNA position 154, AG inserted.
Molecular consequence: intron variant.
Genome position: GRCh38 VCF-style: chr2-206150101-C-CCT. GRCh37 (hg19) VCF-style: chr2-207014825-C-CCT.
Other names: c.6-2268_6-2267insAG (NM_001199982.2); c.-18-177_-18-176insAG (NM_001199983.2); c.154-1006_154-1005insAG (NM_001199981.2); c.196-177_196-176insAG (NM_001199984.2).
Identifiers: ClinVar variation 673625 (VCV000673625.1), dbSNP rs201233029, ClinGen allele CA63670446.
Genomic context (GRCh38, chr2:206,150,101, plus strand): 5'-CTATCTATCTATCTTAATTCATTCTTATTTCAGTCCCTTTCTTTGCCTTTGATTCTAACC[C>CCT]GTCTCCTCTGAAGCTGCCTCAGAGGATCTCAGGATCCTTGGCGTGACTTCACCTTATGTG-3'